The following is an entry in ClinVar:

NM_030662.4(MAP2K2):c.705+179T>C

Gene: MAP2K2 (mitogen-activated protein kinase kinase 2; minus strand). Cytogenetic location: 19p13.3.
Variant type: single nucleotide variant.
Coding change: c.705+179T>C on transcript NM_030662.4 (MANE Select); 179 bases into the intron after coding-DNA position 705, T replaced by C.
Molecular consequence: intron variant.
Genome position (GRCh38, 1-based): chr19:4,100,840, A>G on the plus strand (T>C on the coding strand, the complement: MAP2K2 is on the minus strand). VCF-style: chr19-4100840-A-G. GRCh37 (hg19) VCF-style: chr19-4100838-A-G.
Identifiers: ClinVar variation 561437 (VCV000561437.2), dbSNP rs115066613, ClinGen allele CA304449798.

ClinVar aggregate classification (germline): Benign. Review status: criteria provided, multiple submitters, no conflicts (2 of 4 stars). 2 submissions from 2 submitters: Benign (2). Last evaluated 2018-06-16.

Allele frequency attached by ClinVar (database versions not stated): gnomAD 0.04409; TOPMed 0.04740; 1000 Genomes Project 0.04852; 1000 Genomes Project 30x 0.05106.
gnomAD v4.1: 9,035 of 711,796 alleles (1.3%); highest among the groups gnomAD compares: African/African-American, 14%; 593 homozygotes.

Submissions (2):

GeneDx
Classification: Benign. Last evaluated: 2018-06-16. Review status: criteria provided, single submitter. Criteria: GeneDx Variant Classification (06012015). Collection method: clinical testing. Allele origin: germline. Affected: yes.
Comment: This variant is considered likely benign or benign based on one or more of the following criteria: it is a conservative change, it occurs at a poorly conserved position in the protein, it is predicted to be benign by multiple in silico algorithms, and/or has population frequency not consistent with disease.

Breakthrough Genomics
Classification: Benign. Review status: criteria provided, single submitter. Criteria: ACMG Guidelines, 2015. Collection method: not provided. Allele origin: germline. Inheritance: Autosomal dominant inheritance. Affected: yes.